The following is an entry in ClinVar:

ClinVar aggregate classification (germline): Uncertain significance (1 of 4 stars; one submission).

Conditions:
Hereditary cancer-predisposing syndrome. Also called: Hereditary neoplastic syndrome; Neoplastic Syndromes, Hereditary; Tumor predisposition; Hereditary Cancer Syndrome. Identifiers: Orphanet 140162, MedGen C0027672, MeSH D009386, MONDO:0015356.

Submission:

Ambry Genetics
Classification: Uncertain significance for Hereditary cancer-predisposing syndrome. Last evaluated: 2025-01-06. Review status: criteria provided, single submitter. Criteria: Ambry Variant Classification Scheme 2023. Collection method: clinical testing. Allele origin: germline.
Comment: The p.V629D variant (also known as c.1886T>A), located in coding exon 12 of the BRIP1 gene, results from a T to A substitution at nucleotide position 1886. The valine at codon 629 is replaced by aspartic acid, an amino acid with highly dissimilar properties. This amino acid position is conserved. In addition, this alteration is predicted to be deleterious by in silico analysis. Based on the available evidence, the clinical significance of this variant remains unclear.

NM_032043.3(BRIP1):c.1886T>A (p.Val629Asp)

Gene: BRIP1 (BRCA1 interacting DNA helicase 1; minus strand). Cytogenetic location: 17q23.2.
Variant type: single nucleotide variant.
Coding change: c.1886T>A on transcript NM_032043.3 (MANE Select); coding-DNA position 1886, T replaced by A.
Protein change: p.Val629Asp; replaces valine 629 with aspartic acid.
Molecular consequence: missense variant.
Genome position (GRCh38, 1-based): chr17:61,780,310, A>T on the plus strand (T>A on the coding strand, the complement: BRIP1 is on the minus strand). VCF-style: chr17-61780310-A-T. GRCh37 (hg19) VCF-style: chr17-59857671-A-T.
Other names: short protein forms V629D.
Identifiers: ClinVar variation 3825672 (VCV003825672.1).
Genomic context (GRCh38, chr17:61,780,310, plus strand): 5'-CAACAACTAACCTGTGAATTTTTAATGATATGATTAGCCTCCAGCTGGATAGTAAATGTA[A>T]CACCAAGTTCTGACGAAAAGGATTTCATTGGTGATAATGTACCAGATGTCAAAACAATGG-3'
Protein context (NP_114432.2, residues 619-639): PMKSFSSELG[Val629Asp]TFTIQLEANH